The following is an entry in ClinVar:

NM_000016.6(ACADM):c.1075G>A (p.Ala359Thr)

Gene: ACADM (acyl-CoA dehydrogenase medium chain; plus strand). Cytogenetic location: 1p31.1.
Variant type: single nucleotide variant.
Coding change: c.1075G>A on transcript NM_000016.6 (MANE Select); coding-DNA position 1075, G replaced by A.
Protein change: p.Ala359Thr; replaces alanine 359 with threonine.
Molecular consequence: missense variant.
Genome position (GRCh38, 1-based): chr1:75,761,251, G>A. VCF-style: chr1-75761251-G-A. GRCh37 (hg19) VCF-style: chr1-76226936-G-A.
Other names: c.1087G>A, p.Ala363Thr (NM_001127328.3); c.967G>A, p.Ala323Thr (NM_001286042.2); c.1174G>A, p.Ala392Thr (NM_001286043.2); c.508G>A, p.Ala170Thr (NM_001286044.2); short protein forms A170T, A323T, A359T, A363T, A392T.
Identifiers: ClinVar variation 4815263 (VCV004815263.1).

ClinVar aggregate classification (germline): Likely pathogenic (1 of 4 stars; one submission).

Conditions:
Medium-chain acyl-coenzyme A dehydrogenase deficiency (ACADMD). Also called: MCAD Deficiency; CARNITINE DEFICIENCY SECONDARY TO MEDIUM-CHAIN ACYL-CoA DEHYDROGENASE DEFICIENCY; MCADH DEFICIENCY; ACADM DEFICIENCY; MCADD; Medium chain acyl-CoA dehydrogenase deficiency. Identifiers: Orphanet 42, MedGen C0220710, MONDO:0008721, OMIM 201450.

Submission:

Natera, Inc.
Classification: Likely pathogenic for Medium Chain Acyl-CoA Dehydrogenase Deficiency. Last evaluated: 2025-12-30. Review status: criteria provided, single submitter. Criteria: Natera Variant Classification Schema (03/2026). Collection method: clinical testing. Allele origin: germline.
Comment: The c.1075G>A variant in ACADM is a missense variant predicted to cause substitution of alanine to threonine at amino acid 359. This variant is rare in the general population with a frequency below the threshold expected for the associated phenotype(s). This variant has been observed in one or more individuals affected with the associated recessive disease, as either homozygous or compound heterozygous with a second variant (PMID: 33580884). This variant has been identified in one or more affected individual with a phenotype highly consistent with the associated gene (PMID: 33580884). Computational prediction algorithms indicate this variant is likely to affect gene or protein function. Given the available evidence, this variant is classified as Likely Pathogenic.

Literature cited by the submitters: PubMed 33580884.